The following is an entry in ClinVar:

ClinVar aggregate classification (germline): Uncertain significance (1 of 4 stars; one submission).

Submission:

Ambry Genetics
Classification: Uncertain significance. Last evaluated: 2026-04-26. Review status: criteria provided, single submitter. Criteria: Ambry Variant Classification Scheme 2023. Collection method: clinical testing. Allele origin: germline.
Comment: The p.Q518K variant (also known as c.1552C>A), located in coding exon 8 of the RNF43 gene, results from a C to A substitution at nucleotide position 1552. The glutamine at codon 518 is replaced by lysine, an amino acid with similar properties. This amino acid position is conserved. In addition, this alteration is predicted to be tolerated by in silico analysis. Based on the available evidence, the clinical significance of this variant remains unclear.

NM_017763.6(RNF43):c.1552C>A (p.Gln518Lys)

Gene: RNF43 (ring finger protein 43; minus strand). Cytogenetic location: 17q22.
Variant type: single nucleotide variant.
Coding change: c.1552C>A on transcript NM_017763.6 (MANE Select); coding-DNA position 1552, C replaced by A.
Protein change: p.Gln518Lys; replaces glutamine 518 with lysine.
Molecular consequence: missense variant.
Genome position (GRCh38, 1-based): chr17:58,358,224, G>T on the plus strand (C>A on the coding strand, the complement: RNF43 is on the minus strand). VCF-style: chr17-58358224-G-T. GRCh37 (hg19) VCF-style: chr17-56435585-G-T.
Other names: c.1552C>A, p.Gln518Lys (NM_001305544.3, NM_001438820.1, NM_001438821.1 and 1 more transcripts); c.1171C>A, p.Gln391Lys (NM_001305545.2, NM_001437987.1); short protein forms Q391K, Q518K.
Identifiers: ClinVar variation 4863409 (VCV004863409.1).